The following is an entry in ClinVar:

NM_152906.7(TANGO2):c.32G>A (p.Arg11His)

Gene: TANGO2 (transport and golgi organization 2 homolog; plus strand). Cytogenetic location: 22q11.21.
Variant type: single nucleotide variant.
Coding change: c.32G>A on transcript NM_152906.7 (MANE Select); coding-DNA position 32, G replaced by A.
Protein change: p.Arg11His; replaces arginine 11 with histidine.
Molecular consequence: missense variant. On other transcripts: 5 prime UTR variant (20), non-coding transcript variant (5).
Genome position (GRCh38, 1-based): chr22:20,036,830, G>A. VCF-style: chr22-20036830-G-A. GRCh37 (hg19) VCF-style: chr22-20024353-G-A.
Other names: c.32G>A, p.Arg11His (NM_001283106.3, NM_001283116.3, NM_001283148.3 and 10 more transcripts); c.-86G>A (NM_001283129.3, NM_001283215.3, NM_001322141.2 and 5 more transcripts); c.-148G>A (NM_001283235.3, NM_001322146.2, NM_001322153.2 and 5 more transcripts); c.-388G>A (NM_001322148.2, NM_001322150.2, NM_001322172.2 and 1 more transcripts); short protein forms R11H.
Identifiers: ClinVar variation 392251 (VCV000392251.7), dbSNP rs199621230, ClinGen allele CA10106108.
Genomic context (GRCh38, chr22:20,036,830, plus strand): 5'-CTGTGTCAGCAGAGCCGCCCTGCACCACCATGTGCATCATCTTCTTTAAGTTTGATCCTC[G>A]CCCTGTTTCCAAAAACGCGTACAGGTAACCCCCTCGCTCTGCATCTGCTGCGCCCTGCAG-3'
Protein context (NP_690870.3, residues 1-21): MCIIFFKFDP[Arg11His]PVSKNAYRLI

ClinVar aggregate classification (germline): Uncertain significance. Review status: criteria provided, multiple submitters, no conflicts (2 of 4 stars). 2 submissions from 2 submitters: Uncertain significance (2). Last evaluated 2024-08-16.

Allele frequency attached by ClinVar (database versions not stated): TOPMed 0.00004; ExAC 0.00001; gnomAD exomes 0.00002.

Submissions (2):

GeneDx
Classification: Uncertain significance. Last evaluated: 2024-08-16. Review status: criteria provided, single submitter. Criteria: GeneDx Variant Classification Process June 2021. Collection method: clinical testing. Allele origin: germline. Affected: yes.
Comment: Not observed at significant frequency in large population cohorts (gnomAD); In silico analysis indicates that this missense variant does not alter protein structure/function; Has not been previously published as pathogenic or benign to our knowledge

Labcorp Genetics (formerly Invitae), Labcorp
Classification: Uncertain significance. Last evaluated: 2022-08-16. Review status: criteria provided, single submitter. Criteria: Invitae Variant Classification Sherloc (09022015). Collection method: clinical testing. Allele origin: germline.
Comment: This sequence change replaces arginine, which is basic and polar, with histidine, which is basic and polar, at codon 11 of the TANGO2 protein (p.Arg11His). This variant is present in population databases (rs199621230, gnomAD 0.005%). This variant has not been reported in the literature in individuals affected with TANGO2-related conditions. ClinVar contains an entry for this variant (Variation ID: 392251). Algorithms developed to predict the effect of missense changes on protein structure and function output the following: SIFT: "Not Available"; PolyPhen-2: "Benign"; Align-GVGD: "Not Available". The histidine amino acid residue is found in multiple mammalian species, which suggests that this missense change does not adversely affect protein function. In summary, the available evidence is currently insufficient to determine the role of this variant in disease. Therefore, it has been classified as a Variant of Uncertain Significance.